The following is an entry in ClinVar:

NM_016553.5(NUP62):c.850_851insCCA (p.Ser283_Ser284insThr)

Genes: IL4I1 (interleukin 4 induced 1; minus strand), NUP62 (nucleoporin 62; minus strand). Cytogenetic location: 19q13.33.
Variant type: Insertion.
Coding change: c.850_851insCCA on transcript NM_016553.5 (MANE Select); coding-DNA positions 850 to 851, CCA inserted.
Protein change: p.Ser283_Ser284insThr.
Molecular consequence: inframe insertion. On other transcripts: intron variant (3).
Genome position: GRCh38 VCF-style: chr19-49908957-C-CTGG. GRCh37 (hg19) VCF-style: chr19-50412214-C-CTGG.
Other names: c.850_851insCCA, p.Ser283_Ser284insThr (NM_001193357.2, NM_012346.5, NM_153718.4 and 1 more transcripts); c.-227-4637_-227-4636insCAC (NM_001258017.2, NM_172374.3); c.-285-4637_-285-4636insCAC (NM_001258018.2).
Identifiers: ClinVar variation 3614685 (VCV003614685.2).
Genomic context (GRCh38, chr19:49,908,957, plus strand): 5'-CTGGGGATCCCGGCTGGCGCCAGTGGTTTTAAATTCAAGGCAAAGCCGGTGGTGCTGCTG[C>CTGG]TGCTGGTGGTGGTGGCGGTGGCGGTGGCAGCGGTGGATGTTGTTGTGGAGGTGCCGGAAG-3'

ClinVar aggregate classification (germline): Uncertain significance (1 of 4 stars; one submission).

Submission:

Labcorp Genetics (formerly Invitae), Labcorp
Classification: Uncertain significance. Last evaluated: 2024-12-02. Review status: criteria provided, single submitter. Criteria: Invitae Variant Classification Sherloc (09022015). Collection method: clinical testing. Allele origin: germline.
Comment: This variant, c.850_851insCCA, results in the insertion of 1 amino acid(s) of the NUP62 protein (p.Ser283_Ser284insThr), but otherwise preserves the integrity of the reading frame. This variant is not present in population databases (gnomAD no frequency). This variant has not been reported in the literature in individuals affected with NUP62-related conditions. In summary, the available evidence is currently insufficient to determine the role of this variant in disease. Therefore, it has been classified as a Variant of Uncertain Significance.